The following is an entry in ClinVar:

NM_001286.5(CLCN6):c.2059C>T (p.Arg687Trp)

Gene: CLCN6 (chloride voltage-gated channel 6; plus strand). Cytogenetic location: 1p36.22.
Variant type: single nucleotide variant.
Coding change: c.2059C>T on transcript NM_001286.5 (MANE Select); coding-DNA position 2059, C replaced by T.
Protein change: p.Arg687Trp; replaces arginine 687 with tryptophan.
Molecular consequence: missense variant. On other transcripts: non-coding transcript variant (1).
Genome position (GRCh38, 1-based): chr1:11,837,077, C>T. VCF-style: chr1-11837077-C-T. GRCh37 (hg19) VCF-style: chr1-11897134-C-T.
Other names: c.2059C>T (NM_001286.2); c.1993C>T, p.Arg665Trp (NM_001256959.2); short protein forms R665W, R687W.
Identifiers: ClinVar variation 1475745 (VCV001475745.7), dbSNP rs1470288744, ClinGen allele CA338439700.

ClinVar aggregate classification (germline): Uncertain significance. Review status: criteria provided, multiple submitters, no conflicts (2 of 4 stars). 2 submissions from 2 submitters: Uncertain significance (2). Last evaluated 2025-10-01.

Allele frequency attached by ClinVar (database versions not stated): gnomAD exomes below 0.00001; gnomAD 0.00001; TOPMed 0.00001.
gnomAD v4.1: 4 of 1,613,370 alleles (0.00025%); highest among the groups gnomAD compares: Non-Finnish European, 0.00034%; no homozygotes.

Submissions (2):

Labcorp Genetics (formerly Invitae), Labcorp
Classification: Uncertain significance. Last evaluated: 2025-10-01. Review status: criteria provided, single submitter. Criteria: Invitae Variant Classification Sherloc (09022015). Collection method: clinical testing. Allele origin: germline.
Comment: This sequence change replaces arginine, which is basic and polar, with tryptophan, which is neutral and slightly polar, at codon 687 of the CLCN6 protein (p.Arg687Trp). This variant is not present in population databases (gnomAD no frequency). This variant has not been reported in the literature in individuals affected with CLCN6-related conditions. ClinVar contains an entry for this variant (Variation ID: 1475745). An algorithm developed to predict the effect of missense changes on protein structure and function (PolyPhen-2) suggests that this variant is likely to be disruptive. In summary, the available evidence is currently insufficient to determine the role of this variant in disease. Therefore, it has been classified as a Variant of Uncertain Significance.

Ambry Genetics
Classification: Uncertain significance. Last evaluated: 2025-03-06. Review status: criteria provided, single submitter. Criteria: Ambry Variant Classification Scheme 2023. Collection method: clinical testing. Allele origin: germline.